The following is an entry in ClinVar:

NM_001376.5(DYNC1H1):c.3795G>T (p.Lys1265Asn)

Gene: DYNC1H1 (dynein cytoplasmic 1 heavy chain 1; plus strand). Cytogenetic location: 14q32.31.
Variant type: single nucleotide variant.
Coding change: c.3795G>T on transcript NM_001376.5 (MANE Select); coding-DNA position 3795, G replaced by T.
Protein change: p.Lys1265Asn; replaces lysine 1265 with asparagine.
Molecular consequence: missense variant.
Genome position (GRCh38, 1-based): chr14:101,997,265, G>T. VCF-style: chr14-101997265-G-T. GRCh37 (hg19) VCF-style: chr14-102463602-G-T.
Other names: short protein forms K1265N.
Identifiers: ClinVar variation 435000 (VCV000435000.9), dbSNP rs1555408996, ClinGen allele CA391036939.

ClinVar aggregate classification (germline): Uncertain significance. Review status: criteria provided, multiple submitters, no conflicts (2 of 4 stars). 2 submissions from 2 submitters: Uncertain significance (2). Last evaluated 2023-11-20.

Conditions:
Charcot-Marie-Tooth disease axonal type 2O. Also called: CHARCOT-MARIE-TOOTH NEUROPATHY, AXONAL, TYPE 2O; CHARCOT-MARIE-TOOTH DISEASE, AXONAL, AUTOSOMAL DOMINANT, TYPE 2O; Charcot-Marie-Tooth disease, axonal, type 20; Charcot-Marie-Tooth Neuropathy Type 2O. Identifiers: Orphanet 284232, MedGen C3280220, MONDO:0013644, OMIM 614228.

Submissions (2):

Labcorp Genetics (formerly Invitae), Labcorp
Classification: Uncertain significance for Charcot-Marie-Tooth disease axonal type 2O. Last evaluated: 2023-11-20. Review status: criteria provided, single submitter. Criteria: Invitae Variant Classification Sherloc (09022015). Collection method: clinical testing. Allele origin: germline.
Comment: This sequence change replaces lysine, which is basic and polar, with asparagine, which is neutral and polar, at codon 1265 of the DYNC1H1 protein (p.Lys1265Asn). This variant is not present in population databases (gnomAD no frequency). This variant has not been reported in the literature in individuals affected with DYNC1H1-related conditions. ClinVar contains an entry for this variant (Variation ID: 435000). Advanced modeling of protein sequence and biophysical properties (such as structural, functional, and spatial information, amino acid conservation, physicochemical variation, residue mobility, and thermodynamic stability) performed at Invitae indicates that this missense variant is expected to disrupt DYNC1H1 protein function with a positive predictive value of 95%. In summary, the available evidence is currently insufficient to determine the role of this variant in disease. Therefore, it has been classified as a Variant of Uncertain Significance.

Genetic Services Laboratory, University of Chicago
Classification: Uncertain significance. Last evaluated: 2017-04-24. Review status: criteria provided, single submitter. Criteria: ACMG Guidelines, 2015. Collection method: clinical testing. Allele origin: germline. Affected: no.